The following is an entry in ClinVar:

NM_006766.5(KAT6A):c.593A>C (p.Lys198Thr)

Gene: KAT6A (lysine acetyltransferase 6A; minus strand). Cytogenetic location: 8p11.21.
Variant type: single nucleotide variant.
Coding change: c.593A>C on transcript NM_006766.5 (MANE Select); coding-DNA position 593, A replaced by C.
Protein change: p.Lys198Thr; replaces lysine 198 with threonine.
Molecular consequence: missense variant.
Genome position (GRCh38, 1-based): chr8:42,048,385, T>G on the plus strand (A>C on the coding strand, the complement: KAT6A is on the minus strand). VCF-style: chr8-42048385-T-G. GRCh37 (hg19) VCF-style: chr8-41905903-T-G.
Other names: c.593A>C, p.Lys198Thr (NM_001305878.2); short protein forms K198T.
Identifiers: ClinVar variation 2432961 (VCV002432961.7), dbSNP rs200651017, ClinGen allele CA371174346.

ClinVar aggregate classification (germline): Conflicting classifications of pathogenicity. Review status: criteria provided, conflicting classifications (1 of 4 stars). 3 submissions from 3 submitters: Uncertain significance (2); Likely benign (1). Last evaluated 2025-07-07.

Conditions:
Autosomal dominant intellectual disability-craniofacial anomalies-cardiac defects syndrome (ARTHS). Also called: Arboleda-Tham syndrome; Mental retardation, autosomal dominant 32; KAT6A syndrome. Identifiers: Orphanet 457193, MedGen C4225396, MONDO:0014558, OMIM 616268.

Submissions (3):

Labcorp Genetics (formerly Invitae), Labcorp
Classification: Uncertain significance. Last evaluated: 2025-07-07. Review status: criteria provided, single submitter. Criteria: Invitae Variant Classification Sherloc (09022015). Collection method: clinical testing. Allele origin: germline.
Comment: This sequence change replaces lysine, which is basic and polar, with threonine, which is neutral and polar, at codon 198 of the KAT6A protein (p.Lys198Thr). This variant is not present in population databases (gnomAD no frequency). This variant has not been reported in the literature in individuals affected with KAT6A-related conditions. ClinVar contains an entry for this variant (Variation ID: 2432961). Invitae Evidence Modeling of protein sequence and biophysical properties (such as structural, functional, and spatial information, amino acid conservation, physicochemical variation, residue mobility, and thermodynamic stability) indicates that this missense variant is not expected to disrupt KAT6A protein function with a negative predictive value of 95%. In summary, the available evidence is currently insufficient to determine the role of this variant in disease. Therefore, it has been classified as a Variant of Uncertain Significance.

3billion
Classification: Likely benign for Autosomal dominant intellectual disability-craniofacial anomalies-cardiac defects syndrome. Last evaluated: 2024-09-20. Review status: criteria provided, single submitter. Criteria: ACMG Guidelines, 2015. Collection method: clinical testing. Allele origin: germline. Affected: no.
Comment: The variant was identified in at least one patient who was diagnosed with a different variant in another gene and showed no symptoms related to the gene containing the variant in question.

Revvity Omics, Revvity
Classification: Uncertain significance for Autosomal dominant intellectual disability-craniofacial anomalies-cardiac defects syndrome. Last evaluated: 2023-04-19. Review status: criteria provided, single submitter. Criteria: ACMG Guidelines, 2015. Collection method: clinical testing. Allele origin: germline.